The following is an entry in ClinVar:

NM_025265.4(TSEN2):c.1249-3T>C

Gene: TSEN2 (tRNA splicing endonuclease subunit 2; plus strand). Cytogenetic location: 3p25.2.
Variant type: single nucleotide variant.
Coding change: c.1249-3T>C on transcript NM_025265.4 (MANE Select); 3 bases into the intron before coding-DNA position 1249, T replaced by C.
Molecular consequence: intron variant.
Genome position (GRCh38, 1-based): chr3:12,531,567, T>C. VCF-style: chr3-12531567-T-C. GRCh37 (hg19) VCF-style: chr3-12573066-T-C.
Other names: c.1249-3T>C (NM_001321278.2, NM_001145392.2, NM_001321277.2); c.1171-3T>C (NM_001321279.2, NM_001145393.3); c.1072-3T>C (NM_001145394.2).
Identifiers: ClinVar variation 193934 (VCV000193934.8), dbSNP rs377654319, ClinGen allele CA239670.

ClinVar aggregate classification (germline): Uncertain significance. Review status: criteria provided, multiple submitters, no conflicts (2 of 4 stars). 2 submissions from 2 submitters: Uncertain significance (2). Last evaluated 2022-06-15.

Allele frequency attached by ClinVar (database versions not stated): gnomAD 0.00006 and 0.00007; ExAC 0.00008; gnomAD exomes 0.00008 and 0.00020; TOPMed 0.00011; ESP Exome Variant Server 0.00015.
gnomAD v4.1: 293 of 1,600,870 alleles (0.018%); highest among the groups gnomAD compares: Non-Finnish European, 0.024%; no homozygotes.

Submissions (2):

Labcorp Genetics (formerly Invitae), Labcorp
Classification: Uncertain significance. Last evaluated: 2022-06-15. Review status: criteria provided, single submitter. Criteria: Invitae Variant Classification Sherloc (09022015). Collection method: clinical testing. Allele origin: germline.
Comment: In summary, the available evidence is currently insufficient to determine the role of this variant in disease. Therefore, it has been classified as a Variant of Uncertain Significance. Variants that disrupt the consensus splice site are a relatively common cause of aberrant splicing (PMID: 17576681, 9536098). Algorithms developed to predict the effect of sequence changes on RNA splicing suggest that this variant may create or strengthen a splice site. ClinVar contains an entry for this variant (Variation ID: 193934). This variant has not been reported in the literature in individuals affected with TSEN2-related conditions. This variant is present in population databases (rs377654319, gnomAD 0.01%). This sequence change falls in intron 10 of the TSEN2 gene. It does not directly change the encoded amino acid sequence of the TSEN2 protein. It affects a nucleotide within the consensus splice site.

Eurofins Ntd Llc (ga)
Classification: Uncertain significance. Last evaluated: 2015-01-20. Review status: criteria provided, single submitter. Criteria: EGL Classification Definitions 2015. Collection method: clinical testing. Allele origin: germline. Observed: 1 variant allele, 1 heterozygote.

Literature cited by the submitters: PubMed 17576681 (cited by Labcorp Genetics (formerly Invitae), Labcorp); PubMed 9536098 (cited by Labcorp Genetics (formerly Invitae), Labcorp).